The following is an entry in ClinVar:

ClinVar aggregate classification (germline): Conflicting classifications of pathogenicity. Review status: criteria provided, conflicting classifications (1 of 4 stars). 7 submissions from 7 submitters: Uncertain significance (1); Likely benign (5). 1 of the submissions does not count toward it. Last evaluated 2025-12-17.

Conditions:
CACNA1A-related disorder. Also called: CACNA1A-related condition.
Episodic ataxia type 2 (EA2). Also called: EPISODIC ATAXIA, NYSTAGMUS-ASSOCIATED; ATAXIA, EPISODIC, WITH NYSTAGMUS; ATAXIA, FAMILIAL PAROXYSMAL; CEREBELLAR ATAXIA, PAROXYSMAL, ACETAZOLAMIDE-RESPONSIVE; CEREBELLOPATHY, HEREDITARY PAROXYSMAL; ACETAZOLAMIDE-RESPONSIVE HEREDITARY PAROXYSMAL CEREBELLAR ATAXIA. Identifiers: Orphanet 97, MedGen C1720416, MONDO:0007163, OMIM 108500.
Developmental and epileptic encephalopathy, 42 (DEE42A). Also called: Epileptic encephalopathy, early infantile, 42; DEVELOPMENTAL AND EPILEPTIC ENCEPHALOPATHY 42A; EPILEPTIC ENCEPHALOPATHY, EARLY INFANTILE, 42A. Identifiers: MedGen C4310716, MONDO:0014917, OMIM 617106.
Inborn genetic diseases. Identifiers: MedGen C0950123, MeSH D030342.

Allele frequency attached by ClinVar (database versions not stated): ESP Exome Variant Server 0.00017; gnomAD exomes 0.00023 and 0.00006; ExAC 0.00003; gnomAD 0.00005; TOPMed 0.00006.
gnomAD v4.1: 335 of 1,613,056 alleles (0.021%); highest among the groups gnomAD compares: Non-Finnish European, 0.028%; no homozygotes.

Submissions (7):

Labcorp Genetics (formerly Invitae), Labcorp
Classification: Likely benign for Developmental and epileptic encephalopathy, 42; Episodic ataxia type 2. Last evaluated: 2025-12-17. Review status: criteria provided, single submitter. Criteria: Invitae Variant Classification Sherloc (09022015). Collection method: clinical testing. Allele origin: germline.

Ambry Genetics
Classification: Likely benign for Inborn genetic diseases. Last evaluated: 2025-04-01. Review status: criteria provided, single submitter. Criteria: Ambry Variant Classification Scheme 2023. Collection method: clinical testing. Allele origin: germline.

Blueprint Genetics
Classification: Likely benign. Last evaluated: 2024-11-22. Review status: criteria provided, single submitter. Criteria: ACMG Guidelines, 2015. Collection method: clinical testing. Allele origin: germline.

Women's Health and Genetics/Laboratory Corporation of America, LabCorp
Classification: Likely benign. Last evaluated: 2024-09-10. Review status: criteria provided, single submitter. Criteria: LabCorp Variant Classification Summary - May 2015. Collection method: clinical testing. Allele origin: germline.
Comment: Variant summary: CACNA1A c.633T>C (p.Ser211Ser) alters a conserved nucleotide located close to a canonical splice site and therefore could affect mRNA splicing, leading to a significantly altered protein sequence. Consensus agreement among computation tools predict no significant impact on normal splicing. However, these predictions have yet to be confirmed by functional studies. The variant allele was found at a frequency of 6e-05 in 248420 control chromosomes (gnomAD). This frequency is not significantly higher than estimated for a pathogenic variant in CACNA1A causing Epileptic Encephalopathy, Early Infantile, 42, allowing no conclusion about variant significance. To our knowledge, no occurrence of c.633T>C in individuals affected with Epileptic Encephalopathy, Early Infantile, 42 and no experimental evidence demonstrating its impact on protein function have been reported. ClinVar contains an entry for this variant (Variation ID: 502635). Based on the evidence outlined above, the variant was classified as likely benign.

GeneDx
Classification: Likely benign. Last evaluated: 2019-07-12. Review status: criteria provided, single submitter. Criteria: GeneDx Variant Classification Process June 2021. Collection method: clinical testing. Allele origin: germline. Affected: yes.
Comment: This variant is associated with the following publications: (PMID: 31719132)

Eurofins Ntd Llc (ga)
Classification: Uncertain significance. Last evaluated: 2017-06-16. Review status: criteria provided, single submitter. Criteria: EGL Classification Definitions 2015. Collection method: clinical testing. Allele origin: germline. Observed: 1 variant allele, 1 heterozygote.

PreventionGenetics, part of Exact Sciences
Classification: Likely benign for CACNA1A-related condition. Last evaluated: 2020-08-20. Review status: no assertion criteria provided. Collection method: clinical testing. Allele origin: germline. Not counted in ClinVar's aggregate classification.
Comment: This variant is classified as likely benign based on ACMG/AMP sequence variant interpretation guidelines (Richards et al. 2015 PMID: 25741868, with internal and published modifications).

NM_001127222.2(CACNA1A):c.633T>C (p.Ser211=)

Gene: CACNA1A (calcium voltage-gated channel subunit alpha1 A; minus strand). Cytogenetic location: 19p13.13.
Variant type: single nucleotide variant.
Coding change: c.633T>C on transcript NM_001127222.2 (MANE Select); coding-DNA position 633, T replaced by C.
Protein change: p.Ser211=; no amino-acid change (serine 211 retained).
Molecular consequence: synonymous variant.
Genome position (GRCh38, 1-based): chr19:13,365,468, A>G on the plus strand (T>C on the coding strand, the complement: CACNA1A is on the minus strand). VCF-style: chr19-13365468-A-G. GRCh37 (hg19) VCF-style: chr19-13476282-A-G.
Other names: c.633T>C, p.Ser211= (NM_000068.4, NM_001127221.2, NM_001174080.2 and 1 more transcripts); c.633T>C (NM_001127222.1).
Identifiers: ClinVar variation 502635 (VCV000502635.28), dbSNP rs202216404, ClinGen allele CA9240981.